The following is an entry in ClinVar:

ClinVar aggregate classification (germline): Uncertain significance. Review status: criteria provided, multiple submitters, no conflicts (2 of 4 stars). 2 submissions from 2 submitters: Uncertain significance (2). Last evaluated 2023-08-02.

Conditions:
Tuberous sclerosis 2 (TSC2). Identifiers: Orphanet 805, MedGen C1860707, MONDO:0013199, OMIM 613254.
Hereditary cancer-predisposing syndrome. Also called: Neoplastic Syndromes, Hereditary; Hereditary Cancer Syndrome; Hereditary neoplastic syndrome; Tumor predisposition. Identifiers: Orphanet 140162, MedGen C0027672, MeSH D009386, MONDO:0015356.

Submissions (2):

Ambry Genetics
Classification: Uncertain significance for Hereditary cancer-predisposing syndrome. Last evaluated: 2023-08-02. Review status: criteria provided, single submitter. Criteria: Ambry Variant Classification Scheme 2023. Collection method: clinical testing. Allele origin: germline.
Comment: The p.G1325V variant (also known as c.3974G>T), located in coding exon 32 of the TSC2 gene, results from a G to T substitution at nucleotide position 3974. The glycine at codon 1325 is replaced by valine, an amino acid with dissimilar properties. This amino acid position is conserved. In addition, the in silico prediction for this alteration is inconclusive. Since supporting evidence is limited at this time, the clinical significance of this alteration remains unclear.

Labcorp Genetics (formerly Invitae), Labcorp
Classification: Uncertain significance for Tuberous sclerosis 2. Last evaluated: 2019-05-22. Review status: criteria provided, single submitter. Criteria: Invitae Variant Classification Sherloc (09022015). Collection method: clinical testing. Allele origin: germline.
Comment: This sequence change replaces glycine with valine at codon 1325 of the TSC2 protein (p.Gly1325Val). The glycine residue is weakly conserved and there is a moderate physicochemical difference between glycine and valine. This variant has not been reported in the literature in individuals with TSC2-related conditions. This variant is not present in population databases (ExAC no frequency). In summary, the available evidence is currently insufficient to determine the role of this variant in disease. Therefore, it has been classified as a Variant of Uncertain Significance. Algorithms developed to predict the effect of missense changes on protein structure and function (SIFT, PolyPhen-2, Align-GVGD) all suggest that this variant is likely to be tolerated, but these predictions have not been confirmed by published functional studies and their clinical significance is uncertain.

NM_000548.5(TSC2):c.3974G>T (p.Gly1325Val)

Gene: TSC2 (TSC complex subunit 2; plus strand). Cytogenetic location: 16p13.3.
Variant type: single nucleotide variant.
Coding change: c.3974G>T on transcript NM_000548.5 (MANE Select); coding-DNA position 3974, G replaced by T.
Protein change: p.Gly1325Val; replaces glycine 1325 with valine.
Molecular consequence: missense variant.
Genome position (GRCh38, 1-based): chr16:2,083,785, G>T. VCF-style: chr16-2083785-G-T. GRCh37 (hg19) VCF-style: chr16-2133786-G-T.
Other names: c.3773G>T, p.Gly1258Val (NM_001077183.3); c.3905G>T, p.Gly1302Val (NM_001114382.3); c.3665G>T, p.Gly1222Val (NM_001318827.2); c.3629G>T, p.Gly1210Val (NM_001318829.2); c.3242G>T, p.Gly1081Val (NM_001318831.2); c.3806G>T, p.Gly1269Val (NM_001318832.2); c.3776G>T, p.Gly1259Val (NM_001363528.2); c.3842G>T, p.Gly1281Val (NM_001370404.1); and 1 more; short protein forms G1258V, G1259V, G1269V, G1281V, G1081V, G1222V, G1282V, G1302V.
Identifiers: ClinVar variation 849558 (VCV000849558.11), dbSNP rs754680848, ClinGen allele CA394297564.